The following is an entry in ClinVar:

NM_000512.5(GALNS):c.1275del (p.Val427fs)

Gene: GALNS (galactosamine (N-acetyl)-6-sulfatase; minus strand). Cytogenetic location: 16q24.3.
Variant type: Deletion.
Coding change: c.1275del on transcript NM_000512.5 (MANE Select); coding-DNA position 1275, one base deleted (A; older notation c.1275delA).
Protein change: p.Val427fs; shifts the reading frame from valine 427.
Molecular consequence: frameshift variant.
Genome position (GRCh38, 1-based): chr16:88,822,678, T deleted on the plus strand (A on the coding strand, the reverse complement: GALNS is on the minus strand). VCF-style (leftmost placement, unchanged base first): chr16-88822677-CT-C. GRCh37 (hg19) VCF-style: chr16-88889085-CT-C.
Other names: c.720del, p.Val242fs (NM_001323543.2); c.1293del, p.Val433fs (NM_001323544.2); short protein forms V242fs, V427fs, V433fs.
Identifiers: ClinVar variation 1048500 (VCV001048500.3), dbSNP rs2142992383, ClinGen allele CA916079763.

ClinVar aggregate classification (germline): Likely pathogenic (1 of 4 stars; one submission).

Conditions:
Mucopolysaccharidosis, MPS-IV-A (MPS4A). Also called: Mucopolysaccharidosis type IV A; Mucopolysaccharidosis Type IVA; Morquio syndrome A, mild; MORQUIO SYNDROME A; MPS IVA; mucopolysaccharidosis type 4A. Identifiers: Orphanet 309297, Orphanet 582, MedGen C0086651, MONDO:0009659, OMIM 253000.

Allele frequency attached by ClinVar (database versions not stated): gnomAD exomes below 0.00001.

Submission:

Laboratory of Diagnosis and Therapy of Lysosomal Disorders, University of Padova
Classification: Likely pathogenic for Mucopolysaccharidosis, MPS-IV-A. Last evaluated: 2021-02-01. Review status: criteria provided, single submitter. Criteria: ACMG Guidelines, 2015. Collection method: curation. Allele origin: germline. Affected: yes.
Comment: Frameshift variant (PVS1_very strong); absent from gnomAD v2.1.1 (PM2_moderate)

Literature cited by the submitters: PubMed 24726177; PubMed 34387910.